The following is an entry in ClinVar:

ClinVar aggregate classification (germline): Pathogenic (1 of 4 stars; one submission).

Conditions:
Mucopolysaccharidosis type 1. Also called: IDUA deficiency; MPS I; Mucopolysaccharidosis Type I. Identifiers: Orphanet 579, MedGen C0023786, MONDO:0001586.

Submission:

Myriad Genetics, Inc.
Classification: Pathogenic for Mucopolysaccharidosis type 1. Last evaluated: 2023-09-27. Review status: criteria provided, single submitter. Criteria: Myriad Autosomal Dominant, Autosomal Recessive and X-Linked Classification Criteria (2023). Collection method: clinical testing. Allele origin: unknown.
Comment: NM_000203.3(IDUA):c.1647dupG(Q550Afs*22) is expected to be pathogenic in the context of mucopolysaccharidosis type I. This variant is predicted to lead to an abnormal or absent protein product due to the creation of a premature termination codon in IDUA, a gene where loss-of-function variants are known to be pathogenic. Please note: this variant was assessed in the context of healthy population screening.

NM_000203.5(IDUA):c.1647dup (p.Gln550fs)

Gene: IDUA (alpha-L-iduronidase; plus strand). Cytogenetic location: 4p16.3.
Variant type: Duplication.
Coding change: c.1647dup on transcript NM_000203.5 (MANE Select); coding-DNA position 1647, one base duplicated (G; older notation c.1647dupG).
Protein change: p.Gln550fs; shifts the reading frame from glutamine 550.
Molecular consequence: frameshift variant. On other transcripts: non-coding transcript variant (1).
Genome position (GRCh38, 1-based): chr4:1,003,467, G duplicated; the last of 3 consecutive G bases (chr4:1,003,465-1,003,467); duplicating any one gives the same sequence. VCF-style (leftmost placement, unchanged base first): chr4-1003464-C-CG. GRCh37 (hg19) VCF-style: chr4-997252-C-CG.
Other names: c.1251dup, p.Gln418fs (NM_001363576.1); short protein forms Q418fs, Q550fs.
Identifiers: ClinVar variation 5011965 (VCV005011965.1).